The following is an entry in ClinVar:

ClinVar aggregate classification (germline): Uncertain significance (1 of 4 stars; one submission).

Conditions:
Short-rib thoracic dysplasia 14 with polydactyly (SRTD14). Identifiers: Orphanet 397715, MedGen C4225286, MONDO:0014688, OMIM 616546.
Joubert syndrome 23 (JBTS23). Identifiers: Orphanet 475, MedGen C4084822, MONDO:0014664, OMIM 616490.

Allele frequency attached by ClinVar (database versions not stated): gnomAD exomes below 0.00001; TOPMed 0.00001.
gnomAD v4.1: 1 of 1,610,216 alleles (0.000062%); highest among the groups gnomAD compares: African/African-American, 0.0013%; no homozygotes.

Submission:

Labcorp Genetics (formerly Invitae), Labcorp
Classification: Uncertain significance for Joubert syndrome 23; Short-rib thoracic dysplasia 14 with polydactyly. Last evaluated: 2022-08-16. Review status: criteria provided, single submitter. Criteria: Invitae Variant Classification Sherloc (09022015). Collection method: clinical testing. Allele origin: germline.
Comment: This sequence change replaces lysine, which is basic and polar, with glutamic acid, which is acidic and polar, at codon 726 of the KIAA0586 protein (p.Lys726Glu). This variant is not present in population databases (gnomAD no frequency). This variant has not been reported in the literature in individuals affected with KIAA0586-related conditions. Algorithms developed to predict the effect of missense changes on protein structure and function are either unavailable or do not agree on the potential impact of this missense change (SIFT: "Deleterious"; PolyPhen-2: "Possibly Damaging"; Align-GVGD: "Class C0"). In summary, the available evidence is currently insufficient to determine the role of this variant in disease. Therefore, it has been classified as a Variant of Uncertain Significance.

NM_001329943.3(KIAA0586):c.2017A>G (p.Lys673Glu)

Gene: KIAA0586 (KIAA0586; plus strand). Cytogenetic location: 14q23.1.
Variant type: single nucleotide variant.
Coding change: c.2017A>G on transcript NM_001329943.3 (MANE Select); coding-DNA position 2017, A replaced by G.
Protein change: p.Lys673Glu; replaces lysine 673 with glutamic acid.
Molecular consequence: missense variant.
Genome position (GRCh38, 1-based): chr14:58,461,118, A>G. VCF-style: chr14-58461118-A-G. GRCh37 (hg19) VCF-style: chr14-58927836-A-G.
Other names: c.2176A>G, p.Lys726Glu (NM_001244189.2); c.1972A>G, p.Lys658Glu (NM_001244190.2); c.1762A>G, p.Lys588Glu (NM_001244191.2, NM_001329945.2, NM_001364700.1 and 1 more transcripts); c.1885A>G, p.Lys629Glu (NM_001244192.2); c.1597A>G, p.Lys533Glu (NM_001244193.2); c.2017A>G, p.Lys673Glu (NM_001329944.2, NM_001329946.2, NM_001329947.2); c.1789A>G, p.Lys597Glu (NM_014749.5); short protein forms K533E, K588E, K597E, K658E, K629E, K673E, K726E.
Identifiers: ClinVar variation 1938804 (VCV001938804.5), dbSNP rs1259908890, ClinGen allele CA389872939.